The following is an entry in ClinVar:

NM_001370259.2(MEN1):c.402C>G (p.Phe134Leu)

Gene: MEN1 (menin 1; minus strand). Cytogenetic location: 11q13.1.
Variant type: single nucleotide variant.
Coding change: c.402C>G on transcript NM_001370259.2 (MANE Select); coding-DNA position 402, C replaced by G.
Protein change: p.Phe134Leu; replaces phenylalanine 134 with leucine.
Molecular consequence: missense variant. On other transcripts: non-coding transcript variant (4).
Genome position (GRCh38, 1-based): chr11:64,809,708, G>C on the plus strand (C>G on the coding strand, the complement: MEN1 is on the minus strand). VCF-style: chr11-64809708-G-C. GRCh37 (hg19) VCF-style: chr11-64577180-G-C.
Other names: c.402C>G, p.Phe134Leu (NM_000244.4, NM_001370251.2, NM_001370260.2 and 20 more transcripts); short protein forms F134L.
Identifiers: ClinVar variation 3634210 (VCV003634210.2).

ClinVar aggregate classification (germline): Uncertain significance (1 of 4 stars; one submission).

Conditions:
Multiple endocrine neoplasia, type 1 (MEN1). Also called: MEN I; WERMER SYNDROME; Endocrine adenomatosis multiple; MEN 1; MEA I. Identifiers: Orphanet 652, MedGen C0025267, MeSH D018761, MONDO:0007540, OMIM 131100.

gnomAD v4.1: 1 of 1,614,098 alleles (0.000062%); highest among the groups gnomAD compares: African/African-American, 0.0013%; no homozygotes.

Submission:

Labcorp Genetics (formerly Invitae), Labcorp
Classification: Uncertain significance for Multiple endocrine neoplasia, type 1. Last evaluated: 2025-01-19. Review status: criteria provided, single submitter. Criteria: Invitae Variant Classification Sherloc (09022015). Collection method: clinical testing. Allele origin: germline.
Comment: This sequence change replaces phenylalanine, which is neutral and non-polar, with leucine, which is neutral and non-polar, at codon 134 of the MEN1 protein (p.Phe134Leu). This variant is present in population databases (no rsID available, gnomAD 0.01%). This variant has not been reported in the literature in individuals affected with MEN1-related conditions. Invitae Evidence Modeling of protein sequence and biophysical properties (such as structural, functional, and spatial information, amino acid conservation, physicochemical variation, residue mobility, and thermodynamic stability) indicates that this missense variant is expected to disrupt MEN1 protein function with a positive predictive value of 95%. In summary, the available evidence is currently insufficient to determine the role of this variant in disease. Therefore, it has been classified as a Variant of Uncertain Significance.